The following is an entry in ClinVar:

ClinVar aggregate classification (germline): Uncertain significance (1 of 4 stars; one submission).

Submission:

Labcorp Genetics (formerly Invitae), Labcorp
Classification: Uncertain significance. Last evaluated: 2025-12-24. Review status: criteria provided, single submitter. Criteria: Invitae Variant Classification Sherloc (09022015). Collection method: clinical testing. Allele origin: germline.
Comment: This sequence change replaces aspartic acid, which is acidic and polar, with tyrosine, which is neutral and polar, at codon 837 of the COL4A1 protein (p.Asp837Tyr). This variant is not present in population databases (gnomAD no frequency). This variant has not been reported in the literature in individuals affected with COL4A1-related conditions. Invitae Evidence Modeling of protein sequence and biophysical properties (such as structural, functional, and spatial information, amino acid conservation, physicochemical variation, residue mobility, and thermodynamic stability) has been performed for this missense variant. However, the output from this modeling did not meet the statistical confidence thresholds required to predict the impact of this variant on COL4A1 protein function. In summary, the available evidence is currently insufficient to determine the role of this variant in disease. Therefore, it has been classified as a Variant of Uncertain Significance.

NM_001845.6(COL4A1):c.2509G>T (p.Asp837Tyr)

Gene: COL4A1 (collagen type IV alpha 1 chain; minus strand). Cytogenetic location: 13q34.
Variant type: single nucleotide variant.
Coding change: c.2509G>T on transcript NM_001845.6 (MANE Select); coding-DNA position 2509, G replaced by T.
Protein change: p.Asp837Tyr; replaces aspartic acid 837 with tyrosine.
Molecular consequence: missense variant.
Genome position (GRCh38, 1-based): chr13:110,178,181, C>A on the plus strand (G>T on the coding strand, the complement: COL4A1 is on the minus strand). VCF-style: chr13-110178181-C-A. GRCh37 (hg19) VCF-style: chr13-110830528-C-A.
Other names: short protein forms D837Y.
Identifiers: ClinVar variation 4740000 (VCV004740000.1).
Genomic context (GRCh38, chr13:110,178,181, plus strand): 5'-ACTGTCCCGTTATGCCAGGGAGTCCTTGAGCCCCTTTATCTCCTTTAGGGCCCGGCATGT[C>A]CAGTCCAGGGAATCCGGGGAAACCCTTCTCTCCTTTTATTCCAGGAGGGCCTGCAGTTGG-3'
Protein context (NP_001836.3, residues 827-847): EKGFPGFPGL[Asp837Tyr]MPGPKGDKGA